The following is an entry in ClinVar:

NM_001385012.1(NBEA):c.6988G>C (p.Glu2330Gln)

Gene: NBEA (neurobeachin; plus strand). Cytogenetic location: 13q13.3.
Variant type: single nucleotide variant.
Coding change: c.6988G>C on transcript NM_001385012.1 (MANE Select); coding-DNA position 6988, G replaced by C.
Protein change: p.Glu2330Gln; replaces glutamic acid 2330 with glutamine.
Molecular consequence: missense variant.
Genome position (GRCh38, 1-based): chr13:35,566,970, G>C. VCF-style: chr13-35566970-G-C. GRCh37 (hg19) VCF-style: chr13-36141107-G-C.
Other names: c.367G>C, p.Glu123Gln (NM_001204197.3); c.6979G>C, p.Glu2327Gln (NM_001379245.1); c.6988G>C, p.Glu2330Gln (NM_015678.5); short protein forms E123Q, E2327Q, E2330Q.
Identifiers: ClinVar variation 3372773 (VCV003372773.1).

ClinVar aggregate classification (germline): Uncertain significance (1 of 4 stars; one submission).

gnomAD v4.1: 1 of 1,612,836 alleles (0.000062%); highest among the groups gnomAD compares: South Asian, 0.0011%; no homozygotes.

Submission:

GeneDx
Classification: Uncertain significance. Last evaluated: 2024-04-30. Review status: criteria provided, single submitter. Criteria: GeneDx Variant Classification Process June 2021. Collection method: clinical testing. Allele origin: germline. Affected: yes.
Comment: Not observed at significant frequency in large population cohorts (gnomAD); In silico analysis indicates that this missense variant does not alter protein structure/function; Has not been previously published as pathogenic or benign to our knowledge